The following is an entry in ClinVar:

NM_005618.4(DLL1):c.1343C>T (p.Ala448Val)

Gene: DLL1 (delta like canonical Notch ligand 1; minus strand). Cytogenetic location: 6q27.
Variant type: single nucleotide variant.
Coding change: c.1343C>T on transcript NM_005618.4 (MANE Select); coding-DNA position 1343, C replaced by T.
Protein change: p.Ala448Val; replaces alanine 448 with valine.
Molecular consequence: missense variant.
Genome position (GRCh38, 1-based): chr6:170,283,936, G>A on the plus strand (C>T on the coding strand, the complement: DLL1 is on the minus strand). VCF-style: chr6-170283936-G-A. GRCh37 (hg19) VCF-style: chr6-170593024-G-A.
Other names: short protein forms A448V.
Identifiers: ClinVar variation 1325566 (VCV001325566.4), dbSNP rs368066905, ClinGen allele CA4106851.

ClinVar aggregate classification (germline): Uncertain significance. Review status: criteria provided, multiple submitters, no conflicts (2 of 4 stars). 2 submissions from 2 submitters: Uncertain significance (2). Last evaluated 2023-04-26.

Conditions:
Neurodevelopmental disorder with nonspecific brain abnormalities and with or without seizures. Identifiers: MedGen C5231470, MONDO:0032877, OMIM 618709.

Allele frequency attached by ClinVar (database versions not stated): gnomAD exomes below 0.00001 and 0.00002; gnomAD 0.00003; ExAC 0.00007; TOPMed 0.00008; ESP Exome Variant Server 0.00015.
gnomAD v4.1: 10 of 1,595,798 alleles (0.00063%); highest among the groups gnomAD compares: Middle Eastern, 0.017%; no homozygotes.

Submissions (2):

Labcorp Genetics (formerly Invitae), Labcorp
Classification: Uncertain significance. Last evaluated: 2023-04-26. Review status: criteria provided, single submitter. Criteria: Invitae Variant Classification Sherloc (09022015). Collection method: clinical testing. Allele origin: germline.
Comment: This variant is present in population databases (rs368066905, gnomAD 0.04%). In summary, the available evidence is currently insufficient to determine the role of this variant in disease. Therefore, it has been classified as a Variant of Uncertain Significance. An algorithm developed to predict the effect of missense changes on protein structure and function (PolyPhen-2) suggests that this variant is likely to be tolerated. ClinVar contains an entry for this variant (Variation ID: 1325566). This variant has not been reported in the literature in individuals affected with DLL1-related conditions. This sequence change replaces alanine, which is neutral and non-polar, with valine, which is neutral and non-polar, at codon 448 of the DLL1 protein (p.Ala448Val).

New York Genome Center
Classification: Uncertain significance for Neurodevelopmental disorder with nonspecific brain abnormalities and with or without seizures. Last evaluated: 2020-05-08. Review status: criteria provided, single submitter. Criteria: NYGC Assertion Criteria 2020. Collection method: clinical testing. Allele origin: germline. Observed: 1 heterozygote. Study: CSER-NYCKidSeq.